The following is an entry in ClinVar:

ClinVar aggregate classification (germline): Uncertain significance (1 of 4 stars; one submission).

Conditions:
RASopathy. Also called: Noonan spectrum disorder; rasopathies. Identifiers: Orphanet 536391, MedGen C5555857, MONDO:0021060.

Submission:

Labcorp Genetics (formerly Invitae), Labcorp
Classification: Uncertain significance for RASopathy. Last evaluated: 2025-07-29. Review status: criteria provided, single submitter. Criteria: Invitae Variant Classification Sherloc (09022015). Collection method: clinical testing. Allele origin: germline.
Comment: This sequence change replaces arginine, which is basic and polar, with tryptophan, which is neutral and slightly polar, at codon 583 of the RAF1 protein (p.Arg583Trp). This variant is not present in population databases (gnomAD no frequency). This variant has not been reported in the literature in individuals affected with RAF1-related conditions. ClinVar contains an entry for this variant (Variation ID: 3697427). Invitae Evidence Modeling of protein sequence and biophysical properties (such as structural, functional, and spatial information, amino acid conservation, physicochemical variation, residue mobility, and thermodynamic stability) indicates that this missense variant is expected to disrupt RAF1 protein function with a positive predictive value of 95%. In summary, the available evidence is currently insufficient to determine the role of this variant in disease. Therefore, it has been classified as a Variant of Uncertain Significance.

NM_002880.4(RAF1):c.1747A>T (p.Arg583Trp)

Gene: RAF1 (Raf-1 proto-oncogene, serine/threonine kinase; minus strand). Cytogenetic location: 3p25.2.
Variant type: single nucleotide variant.
Coding change: c.1747A>T on transcript NM_002880.4 (MANE Select); coding-DNA position 1747, A replaced by T.
Protein change: p.Arg583Trp; replaces arginine 583 with tryptophan.
Molecular consequence: missense variant. On other transcripts: non-coding transcript variant (3).
Genome position (GRCh38, 1-based): chr3:12,584,903, T>A on the plus strand (A>T on the coding strand, the complement: RAF1 is on the minus strand). VCF-style: chr3-12584903-T-A. GRCh37 (hg19) VCF-style: chr3-12626402-T-A.
Other names: c.1807A>T, p.Arg603Trp (NM_001354689.3); c.1747A>T, p.Arg583Trp (NM_001354690.3); c.1504A>T, p.Arg502Trp (NM_001354691.3, NM_001354692.3); c.1648A>T, p.Arg550Trp (NM_001354693.3); c.1564A>T, p.Arg522Trp (NM_001354694.3); c.1405A>T, p.Arg469Trp (NM_001354695.3); short protein forms R603W, R550W, R583W, R502W, R522W, R469W.
Identifiers: ClinVar variation 3697427 (VCV003697427.2).